The following is an entry in ClinVar:

NM_001387430.1(SH2B1):c.1223A>T (p.Glu408Val)

Gene: SH2B1 (SH2B adaptor protein 1; plus strand). Cytogenetic location: 16p11.2.
Variant type: single nucleotide variant.
Coding change: c.1223A>T on transcript NM_001387430.1 (MANE Select); coding-DNA position 1223, A replaced by T.
Protein change: p.Glu408Val; replaces glutamic acid 408 with valine.
Molecular consequence: missense variant.
Genome position (GRCh38, 1-based): chr16:28,869,297, A>T. VCF-style: chr16-28869297-A-T. GRCh37 (hg19) VCF-style: chr16-28880618-A-T.
Other names: c.1223A>T, p.Glu408Val (NM_001145795.2, NM_001145796.2, NM_001145797.2 and 4 more transcripts); c.215A>T, p.Glu72Val (NM_001308294.2); short protein forms E408V, E72V.
Identifiers: ClinVar variation 4992994 (VCV004992994.1).

ClinVar aggregate classification (germline): Uncertain significance (1 of 4 stars; one submission).

Conditions:
SH2B1-related disorder. Also called: SH2B1-related condition.

Submission:

PreventionGenetics, part of Exact Sciences
Classification: Uncertain significance for SH2B1-related condition. Last evaluated: 2026-03-10. Review status: criteria provided, single submitter. Criteria: ACMG Guidelines, 2015. Collection method: clinical testing. Allele origin: germline.
Comment: The SH2B1 c.1223A>T variant is predicted to result in the amino acid substitution p.Glu408Val. To our knowledge, this variant has not been reported in the literature or in a large population database (gnomAD), indicating this variant is rare. At this time, the clinical significance of this variant is uncertain due to the absence of conclusive functional and genetic evidence.